The following is an entry in ClinVar:

NM_033380.3(COL4A5):c.1339+2T>A

Gene: COL4A5 (collagen type IV alpha 5 chain; plus strand). Cytogenetic location: Xq22.3.
Variant type: single nucleotide variant.
Coding change: c.1339+2T>A on transcript NM_033380.3 (MANE Select); the canonical splice donor site of the intron after coding-DNA position 1339, T replaced by A.
Molecular consequence: splice donor variant.
Genome position (GRCh38, 1-based): chrX:108,591,233, T>A. VCF-style: chrX-108591233-T-A. GRCh37 (hg19) VCF-style: chrX-107834463-T-A.
Other names: c.1339+2T>A (NM_000495.5).
Identifiers: ClinVar variation 2753591 (VCV002753591.3), dbSNP rs2524283273, ClinGen allele CA413933361.

ClinVar aggregate classification (germline): Likely pathogenic (1 of 4 stars; one submission).

Submission:

Labcorp Genetics (formerly Invitae), Labcorp
Classification: Likely pathogenic. Last evaluated: 2023-08-17. Review status: criteria provided, single submitter. Criteria: Invitae Variant Classification Sherloc (09022015). Collection method: clinical testing. Allele origin: germline.
Comment: In summary, the currently available evidence indicates that the variant is pathogenic, but additional data are needed to prove that conclusively. Therefore, this variant has been classified as Likely Pathogenic. Algorithms developed to predict the effect of sequence changes on RNA splicing suggest that this variant may disrupt the consensus splice site. This variant has not been reported in the literature in individuals affected with COL4A5-related conditions. This variant is not present in population databases (gnomAD no frequency). This sequence change affects a donor splice site in intron 20 of the COL4A5 gene. It is expected to disrupt RNA splicing. Variants that disrupt the donor or acceptor splice site typically lead to a loss of protein function (PMID: 16199547), and loss-of-function variants in COL4A5 are known to be pathogenic (PMID: 9195222, 10752524, 14514738, 24854265, 26809805).

Literature cited by the submitters: PubMed 16199547; PubMed 9195222; PubMed 10752524; PubMed 14514738; PubMed 24854265; PubMed 26809805.